The following is an entry in ClinVar:

NM_001122630.2(CDKN1C):c.292G>T (p.Val98Phe)

Gene: CDKN1C (cyclin dependent kinase inhibitor 1C; minus strand). Cytogenetic location: 11p15.4.
Variant type: single nucleotide variant.
Coding change: c.292G>T on transcript NM_001122630.2 (MANE Select); coding-DNA position 292, G replaced by T.
Protein change: p.Val98Phe; replaces valine 98 with phenylalanine.
Molecular consequence: missense variant. On other transcripts: intron variant (1).
Genome position (GRCh38, 1-based): chr11:2,885,165, C>A on the plus strand (G>T on the coding strand, the complement: CDKN1C is on the minus strand). VCF-style: chr11-2885165-C-A. GRCh37 (hg19) VCF-style: chr11-2906395-C-A.
Other names: c.325G>T, p.Val109Phe (NM_000076.2, NM_001362474.2); c.292G>T, p.Val98Phe (NM_001122631.2); c.255+37G>T (NM_001362475.2); short protein forms V109F, V98F.
Identifiers: ClinVar variation 1522308 (VCV001522308.8), dbSNP rs2133785299, ClinGen allele CA379146930.
Genomic context (GRCh38, chr11:2,885,165, plus strand): 5'-GGCCGTCGAGGGACTCAGCGGCCGGCTCGAGGGGCGGGCTGACAGCCACCGCGACCGCGA[C>A]GGGCCGCGGCGCCAGCAGCAGGCGGCAGCGCCCCACCTGCACCGTCTCGCGGTAGAACGC-3'
Protein context (NP_001116102.1, residues 88-108): RCRLLLAPRP[Val98Phe]AVAVAVSPPL

ClinVar aggregate classification (germline): Uncertain significance (1 of 4 stars; one submission).

Conditions:
Beckwith-Wiedemann syndrome (BWS). Also called: EMG SYNDROME; Exomphalos macroglossia gigantism syndrome. Identifiers: Orphanet 116, MedGen C0004903, MONDO:0007534, OMIM 130650.

Submission:

Labcorp Genetics (formerly Invitae), Labcorp
Classification: Uncertain significance for Beckwith-Wiedemann syndrome. Last evaluated: 2022-09-06. Review status: criteria provided, single submitter. Criteria: Invitae Variant Classification Sherloc (09022015). Collection method: clinical testing. Allele origin: germline.
Comment: This variant has not been reported in the literature in individuals affected with CDKN1C-related conditions. ClinVar contains an entry for this variant (Variation ID: 1522308). Algorithms developed to predict the effect of missense changes on protein structure and function (SIFT, PolyPhen-2, Align-GVGD) all suggest that this variant is likely to be tolerated. In summary, the available evidence is currently insufficient to determine the role of this variant in disease. Therefore, it has been classified as a Variant of Uncertain Significance. This sequence change replaces valine, which is neutral and non-polar, with phenylalanine, which is neutral and non-polar, at codon 109 of the CDKN1C protein (p.Val109Phe). This variant is not present in population databases (gnomAD no frequency).